The following is an entry in ClinVar:

ClinVar aggregate classification (germline): Uncertain significance (1 of 4 stars; one submission).

Conditions:
Renal carnitine transport defect (CDSP). Also called: Primary carnitine deficiency; Systemic primary carnitine deficiency; Systemic primary carnitine deficiency disease; CARNITINE DEFICIENCY, SYSTEMIC, DUE TO DEFECT IN RENAL REABSORPTION OF CARNITINE; CARNITINE TRANSPORTER, PLASMA-MEMBRANE, DEFICIENCY OF; CARNITINE UPTAKE DEFECT. Identifiers: Orphanet 158, MedGen C0342788, MONDO:0008919, OMIM 212140.

Allele frequency attached by ClinVar (database versions not stated): gnomAD exomes below 0.00001.
gnomAD v4.1: 2 of 1,613,934 alleles (0.00012%); highest among the groups gnomAD compares: Admixed American, 0.0033%; no homozygotes.

Submission:

Labcorp Genetics (formerly Invitae), Labcorp
Classification: Uncertain significance for Renal carnitine transport defect. Last evaluated: 2022-08-03. Review status: criteria provided, single submitter. Criteria: Invitae Variant Classification Sherloc (09022015). Collection method: clinical testing. Allele origin: germline.
Comment: This sequence change replaces threonine, which is neutral and polar, with serine, which is neutral and polar, at codon 506 of the SLC22A5 protein (p.Thr506Ser). This variant is not present in population databases (gnomAD no frequency). This variant has not been reported in the literature in individuals affected with SLC22A5-related conditions. ClinVar contains an entry for this variant (Variation ID: 966759). Advanced modeling of protein sequence and biophysical properties (such as structural, functional, and spatial information, amino acid conservation, physicochemical variation, residue mobility, and thermodynamic stability) performed at Invitae indicates that this missense variant is not expected to disrupt SLC22A5 protein function. Algorithms developed to predict the effect of sequence changes on RNA splicing suggest that this variant may create or strengthen a splice site. In summary, the available evidence is currently insufficient to determine the role of this variant in disease. Therefore, it has been classified as a Variant of Uncertain Significance.

NM_003060.4(SLC22A5):c.1516A>T (p.Thr506Ser)

Gene: SLC22A5 (solute carrier family 22 member 5; plus strand). Cytogenetic location: 5q31.1.
Variant type: single nucleotide variant.
Coding change: c.1516A>T on transcript NM_003060.4 (MANE Select); coding-DNA position 1516, A replaced by T.
Protein change: p.Thr506Ser; replaces threonine 506 with serine.
Molecular consequence: missense variant.
Genome position (GRCh38, 1-based): chr5:132,393,741, A>T. VCF-style: chr5-132393741-A-T. GRCh37 (hg19) VCF-style: chr5-131729433-A-T.
Other names: c.1588A>T, p.Thr530Ser (NM_001308122.2); short protein forms T506S, T530S.
Identifiers: ClinVar variation 966759 (VCV000966759.6), dbSNP rs1752784173, ClinGen allele CA360809832.